The following is an entry in ClinVar:

ClinVar aggregate classification (germline): Uncertain significance (1 of 4 stars; one submission).

Conditions:
Primary familial hypertrophic cardiomyopathy (HCM). Identifiers: Orphanet 99739, MedGen C0949658, MeSH D024741, MONDO:0024573. Inheritance: Various modes of inheritance.

Allele frequency attached by ClinVar (database versions not stated): gnomAD exomes below 0.00001.
gnomAD v4.1: 1 of 1,613,980 alleles (0.000062%); highest among the groups gnomAD compares: Non-Finnish European, 0.000085%; no homozygotes.

Submission:

Labcorp Genetics (formerly Invitae), Labcorp
Classification: Uncertain significance for Primary familial hypertrophic cardiomyopathy. Last evaluated: 2022-07-14. Review status: criteria provided, single submitter. Criteria: Invitae Variant Classification Sherloc (09022015). Collection method: clinical testing. Allele origin: germline.
Comment: In summary, the available evidence is currently insufficient to determine the role of this variant in disease. Therefore, it has been classified as a Variant of Uncertain Significance. Algorithms developed to predict the effect of sequence changes on RNA splicing suggest that this variant may disrupt the consensus splice site. Algorithms developed to predict the effect of missense changes on protein structure and function are either unavailable or do not agree on the potential impact of this missense change (SIFT: "Deleterious"; PolyPhen-2: "Probably Damaging"; Align-GVGD: "Class C0"). This variant has not been reported in the literature in individuals affected with ILK-related conditions. This variant is present in population databases (no rsID available, gnomAD 0.0009%). This sequence change replaces glutamine, which is neutral and polar, with histidine, which is basic and polar, at codon 88 of the ILK protein (p.Gln88His).

NM_004517.4(ILK):c.264G>C (p.Gln88His)

Genes: TAF10 (TATA-box binding protein associated factor 10; minus strand), ILK (integrin linked kinase; plus strand). Cytogenetic location: 11p15.4.
Variant type: single nucleotide variant.
Coding change: c.264G>C on transcript NM_004517.4 (MANE Select); coding-DNA position 264, G replaced by C.
Protein change: p.Gln88His; replaces glutamine 88 with histidine.
Molecular consequence: missense variant. On other transcripts: 5 prime UTR variant (1), 3 prime UTR variant (1).
Genome position (GRCh38, 1-based): chr11:6,608,402, G>C. VCF-style: chr11-6608402-G-C. GRCh37 (hg19) VCF-style: chr11-6629632-G-C.
Other names: c.264G>C, p.Gln88His (NM_001014794.3, NM_001014795.3, NM_001278441.2); c.-139G>C (NM_001278442.2); c.*2520C>G (NM_006284.4); short protein forms Q88H.
Identifiers: ClinVar variation 1963317 (VCV001963317.5), dbSNP rs1208088812, ClinGen allele CA379456373.